The following is an entry in ClinVar:

ClinVar aggregate classification (germline): Likely pathogenic (1 of 4 stars; one submission).

Conditions:
Familial adenomatous polyposis 2. Also called: COLORECTAL ADENOMATOUS POLYPOSIS, AUTOSOMAL RECESSIVE; ADENOMAS, MULTIPLE COLORECTAL, AUTOSOMAL RECESSIVE; FAP type 2; MUTYH Polyposis; MYH-associated polyposis; Adenomas, multiple colorectal. Identifiers: Orphanet 220460, Orphanet 247798, MedGen C3272841, MONDO:0012041, OMIM 608456.

Submission:

Labcorp Genetics (formerly Invitae), Labcorp
Classification: Likely pathogenic for Familial adenomatous polyposis 2. Last evaluated: 2024-01-27. Review status: criteria provided, single submitter. Criteria: Invitae Variant Classification Sherloc (09022015). Collection method: clinical testing. Allele origin: germline.
Comment: This variant results in the deletion of part of exon 6 of the MUTYH gene. It is expected to disrupt RNA splicing. Variants that disrupt the donor or acceptor splice site typically lead to a loss of protein function (PMID: 16199547), and loss-of-function variants in MUTYH are known to be pathogenic (PMID: 18534194, 20663686). This variant is not present in population databases (gnomAD no frequency). This variant has not been reported in the literature in individuals affected with MUTYH-related conditions. In summary, the currently available evidence indicates that the variant is pathogenic, but additional data are needed to prove that conclusively. Therefore, this variant has been classified as Likely Pathogenic.

Literature cited by the submitters: PubMed 16199547; PubMed 18534194; PubMed 20663686.

NM_001048174.2(MUTYH):c.379-4_382del

Gene: MUTYH (mutY DNA glycosylase; minus strand). Cytogenetic location: 1p34.1.
Variant type: Deletion.
Coding change: c.379-4_382del on transcript NM_001048174.2 (MANE Select); 4 bases into the intron before coding-DNA position 379 through coding-DNA position 382, 8 bases deleted (ATAGAAGT; older notation c.379-4_382delATAGAAGT).
Molecular consequence: splice acceptor variant. On other transcripts: intron variant (4).
Genome position (GRCh38, 1-based): chr1:45,332,956-45,332,963, ACTTCTAT deleted on the plus strand (ATAGAAGT on the coding strand, the reverse complement: MUTYH is on the minus strand); deleting any 8 consecutive bases within chr1:45,332,956-45,332,964 gives the same sequence; the c. name uses the placement nearest the transcript's 3' end. VCF-style (leftmost placement, unchanged base first): chr1-45332955-CACTTCTAT-C. GRCh37 (hg19) VCF-style: chr1-45798627-CACTTCTAT-C.
Other names: c.379-4_382del (NM_001407072.1, NM_001048171.2, NM_001407070.1 and 5 more transcripts); c.34-4_37del (NM_001350651.2, NM_001350650.2, NM_001407082.1); c.103-4_106del (NM_001293192.2, NM_001293196.2, NM_001407091.1); c.421-129_421-122del (NM_001407073.1); c.424-4_427del (NM_001293190.2); c.454-129_454-122del (NM_001407069.1); c.454-4_457del (NM_012222.3); c.463-4_466del (NM_001128425.2); and 7 more.
Identifiers: ClinVar variation 2713341 (VCV002713341.3), dbSNP rs2524198581, ClinGen allele CA2697552390.
Genomic context (GRCh38, chr1:45,332,955, plus strand): 5'-CCCTACCCTAGGGTGGCTCTCACCTCCAGGGAAGCACTGGCCAGGTCCTGCAGTGTAGGC[CACTTCTAT>C]AGCCACAGGCAGGCAGAAAGAGACAAGGTCAAGGGTGAAGGTGGTAGAGGAAGCCTTCTC-3'